The following is an entry in ClinVar:

NM_014254.3(RXYLT1):c.80T>C (p.Val27Ala)

Gene: RXYLT1 (ribitol xylosyltransferase 1; plus strand). Cytogenetic location: 12q14.2.
Variant type: single nucleotide variant.
Coding change: c.80T>C on transcript NM_014254.3 (MANE Select); coding-DNA position 80, T replaced by C.
Protein change: p.Val27Ala; replaces valine 27 with alanine.
Molecular consequence: missense variant. On other transcripts: 5 prime UTR variant (1).
Genome position (GRCh38, 1-based): chr12:63,780,040, T>C. VCF-style: chr12-63780040-T-C. GRCh37 (hg19) VCF-style: chr12-64173820-T-C.
Other names: c.-1034T>C (NM_001278237.2); short protein forms V27A.
Identifiers: ClinVar variation 1188040 (VCV001188040.7), dbSNP rs779346062, ClinGen allele CA6665979.

ClinVar aggregate classification (germline): Uncertain significance. Review status: criteria provided, multiple submitters, no conflicts (2 of 4 stars). 2 submissions from 2 submitters: Uncertain significance (2). Last evaluated 2022-09-27.

Allele frequency attached by ClinVar (database versions not stated): gnomAD exomes 0.00001 and 0.00006; ExAC 0.00004.
gnomAD v4.1: 23 of 1,607,552 alleles (0.0014%); highest among the groups gnomAD compares: Middle Eastern, 0.33%; no homozygotes.

Submissions (2):

Labcorp Genetics (formerly Invitae), Labcorp
Classification: Uncertain significance. Last evaluated: 2022-09-27. Review status: criteria provided, single submitter. Criteria: Invitae Variant Classification Sherloc (09022015). Collection method: clinical testing. Allele origin: germline.
Comment: This sequence change replaces valine, which is neutral and non-polar, with alanine, which is neutral and non-polar, at codon 27 of the RXYLT1 protein (p.Val27Ala). This variant is present in population databases (rs779346062, gnomAD 0.005%). This variant has not been reported in the literature in individuals affected with RXYLT1-related conditions. ClinVar contains an entry for this variant (Variation ID: 1188040). Advanced modeling of protein sequence and biophysical properties (such as structural, functional, and spatial information, amino acid conservation, physicochemical variation, residue mobility, and thermodynamic stability) performed at Invitae indicates that this missense variant is not expected to disrupt RXYLT1 protein function. In summary, the available evidence is currently insufficient to determine the role of this variant in disease. Therefore, it has been classified as a Variant of Uncertain Significance.

GeneDx
Classification: Uncertain significance. Last evaluated: 2020-10-16. Review status: criteria provided, single submitter. Criteria: GeneDx Variant Classification Process June 2021. Collection method: clinical testing. Allele origin: germline. Affected: yes.
Comment: Not observed at a significant frequency in large population cohorts (Lek et al., 2016); In silico analysis, which includes protein predictors and evolutionary conservation, supports that this variant does not alter protein structure/function; Has not been previously published as pathogenic or benign to our knowledge